The following is an entry in ClinVar:

NM_176787.5(PIGN):c.1940del (p.Lys647fs)

Gene: PIGN (phosphatidylinositol glycan anchor biosynthesis class N; minus strand). Cytogenetic location: 18q21.33.
Variant type: Deletion.
Coding change: c.1940del on transcript NM_176787.5 (MANE Select); coding-DNA position 1940, one base deleted (A; older notation c.1940delA).
Protein change: p.Lys647fs; shifts the reading frame from lysine 647.
Molecular consequence: frameshift variant.
Genome position (GRCh38, 1-based): chr18:62,102,822, T deleted on the plus strand (A on the coding strand, the reverse complement: PIGN is on the minus strand); the first of 3 consecutive T bases (chr18:62,102,822-62,102,824); deleting any one gives the same sequence. VCF-style (leftmost placement, unchanged base first): chr18-62102821-CT-C. GRCh37 (hg19) VCF-style: chr18-59770054-CT-C.
Other names: c.1940del, p.Lys647fs (NM_012327.6); short protein forms K647fs.
Identifiers: ClinVar variation 521276 (VCV000521276.7), dbSNP rs1555682938, ClinGen allele CA658799082.

ClinVar aggregate classification (germline): Pathogenic. Review status: criteria provided, multiple submitters, no conflicts (2 of 4 stars). 2 submissions from 2 submitters: Pathogenic (2). Last evaluated 2023-12-22.

Conditions:
Multiple congenital anomalies-hypotonia-seizures syndrome 1 (MCAHS1). Also called: PIGN-CDG; Congenital disorder of glycosylation due to PIGN deficiency; GLYCOSYLPHOSPHATIDYLINOSITOL BIOSYNTHESIS DEFECT 3. Identifiers: Orphanet 280633, MedGen C3279775, MONDO:0013563, OMIM 614080.
Inborn genetic diseases. Identifiers: MedGen C0950123, MeSH D030342.

Submissions (2):

Labcorp Genetics (formerly Invitae), Labcorp
Classification: Pathogenic for Multiple congenital anomalies-hypotonia-seizures syndrome 1. Last evaluated: 2023-12-22. Review status: criteria provided, single submitter. Criteria: Invitae Variant Classification Sherloc (09022015). Collection method: clinical testing. Allele origin: germline.
Comment: This sequence change creates a premature translational stop signal (p.Lys647Argfs*12) in the PIGN gene. It is expected to result in an absent or disrupted protein product. Loss-of-function variants in PIGN are known to be pathogenic (PMID: 24253414, 27038415). This variant is not present in population databases (gnomAD no frequency). This premature translational stop signal has been observed in individual(s) with clinical features of PIGN-related conditions (PMID: 30660939). ClinVar contains an entry for this variant (Variation ID: 521276). Algorithms developed to predict the effect of sequence changes on RNA splicing suggest that this variant may disrupt the consensus splice site. For these reasons, this variant has been classified as Pathogenic.

Ambry Genetics
Classification: Pathogenic for Inborn genetic diseases. Last evaluated: 2016-09-01. Review status: criteria provided, single submitter. Criteria: Ambry exome assertion method (8-5-2015). Collection method: clinical testing. Allele origin: germline. Affected: yes. Observed: 1 variant allele.

Literature cited by the submitters: PubMed 24253414 (cited by Labcorp Genetics (formerly Invitae), Labcorp); PubMed 27038415 (cited by Labcorp Genetics (formerly Invitae), Labcorp); PubMed 30660939 (cited by Labcorp Genetics (formerly Invitae), Labcorp).